The following is an entry in ClinVar:

GRCh38/hg38 4p13-q13.1(chr4:44356201-62245882)x3

Genes: LRRC66 (leucine rich repeat containing 66; minus strand), MIR4449 (microRNA 4449; plus strand), MIR548AG1 (microRNA 548ag-1; plus strand), MIR8053 (microRNA 8053; plus strand), NFXL1 (nuclear transcription factor, X-box binding like 1; minus strand) and 251 more. Cytogenetic location: 4p13-q13.1.
Variant type: copy number gain.
Change: copy number 3 (three copies instead of two) of chr4:44,356,201-62,245,882 (17.89 Mb, GRCh38 coordinates, 1-based), cytogenetic band 4p13-q13.1.
Identifiers: ClinVar variation 57074 (VCV000057074.1).

ClinVar aggregate classification (germline): Pathogenic (1 of 4 stars; one submission).

Submission:

ISCA site 4
Classification: Pathogenic. Last evaluated: 2011-08-12. Review status: criteria provided, single submitter. Criteria: Kaminsky et al. (Genet Med. 2011). Collection method: clinical testing. Allele origin: de novo. Affected: yes. Observed: 1 variant allele.
Comment: Copy number variation identified through the course of routine clinical cytogenomic testing in postnatal populations. Clinical assertions have been curated as described in Kaminsky et al. 2011.